The following is an entry in ClinVar:

NM_022095.4(ZNF335):c.3819+5G>A

Gene: ZNF335 (zinc finger protein 335; minus strand). Cytogenetic location: 20q13.12.
Variant type: single nucleotide variant.
Coding change: c.3819+5G>A on transcript NM_022095.4 (MANE Select); 5 bases into the intron after coding-DNA position 3819, G replaced by A.
Molecular consequence: intron variant.
Genome position (GRCh38, 1-based): chr20:45,949,328, C>T on the plus strand (G>A on the coding strand, the complement: ZNF335 is on the minus strand). VCF-style: chr20-45949328-C-T. GRCh37 (hg19) VCF-style: chr20-44577967-C-T.
Identifiers: ClinVar variation 1467545 (VCV001467545.5), dbSNP rs745927171, ClinGen allele CA9884844.

ClinVar aggregate classification (germline): Uncertain significance (1 of 4 stars; one submission).

Allele frequency attached by ClinVar (database versions not stated): TOPMed below 0.00001; gnomAD 0.00001; gnomAD exomes 0.00001 and 0.00002; ExAC 0.00002.
gnomAD v4.1: 9 of 1,614,014 alleles (0.00056%); highest among the groups gnomAD compares: Admixed American, 0.012%; no homozygotes.

Submission:

Labcorp Genetics (formerly Invitae), Labcorp
Classification: Uncertain significance. Last evaluated: 2024-11-11. Review status: criteria provided, single submitter. Criteria: Invitae Variant Classification Sherloc (09022015). Collection method: clinical testing. Allele origin: germline.
Comment: This sequence change falls in intron 26 of the ZNF335 gene. It does not directly change the encoded amino acid sequence of the ZNF335 protein. It affects a nucleotide within the consensus splice site. This variant is present in population databases (rs745927171, gnomAD 0.02%). This variant has not been reported in the literature in individuals affected with ZNF335-related conditions. ClinVar contains an entry for this variant (Variation ID: 1467545). Variants that disrupt the consensus splice site are a relatively common cause of aberrant splicing (PMID: 17576681, 9536098). Algorithms developed to predict the effect of sequence changes on RNA splicing suggest that this variant is not likely to affect RNA splicing. In summary, the available evidence is currently insufficient to determine the role of this variant in disease. Therefore, it has been classified as a Variant of Uncertain Significance.

Literature cited by the submitters: PubMed 17576681; PubMed 9536098.